The following is an entry in ClinVar:

NM_001131016.2(CIZ1):c.1730C>T (p.Ser577Phe)

Gene: CIZ1 (CDKN1A interacting zinc finger protein 1; minus strand). Cytogenetic location: 9q34.11.
Variant type: single nucleotide variant.
Coding change: c.1730C>T on transcript NM_001131016.2 (MANE Select); coding-DNA position 1730, C replaced by T.
Protein change: p.Ser577Phe; replaces serine 577 with phenylalanine.
Molecular consequence: missense variant.
Genome position (GRCh38, 1-based): chr9:128,177,654, G>A on the plus strand (C>T on the coding strand, the complement: CIZ1 is on the minus strand). VCF-style: chr9-128177654-G-A. GRCh37 (hg19) VCF-style: chr9-130939933-G-A.
Other names: c.1562C>T, p.Ser521Phe (NM_001131015.2); c.1547C>T, p.Ser516Phe (NM_001131017.2); c.1490C>T, p.Ser497Phe (NM_001131018.2); c.1820C>T, p.Ser607Phe (NM_001257975.2); c.1427C>T, p.Ser476Phe (NM_001257976.2); c.1730C>T, p.Ser577Phe (NM_012127.3); short protein forms S577F, S476F, S516F, S497F, S607F, S521F.
Identifiers: ClinVar variation 580942 (VCV000580942.9), dbSNP rs780188256, ClinGen allele CA5257244.

ClinVar aggregate classification (germline): Uncertain significance (1 of 4 stars; one submission).

Conditions:
Dystonic disorder. Also called: Dystonia. Identifiers: MedGen C0013421, MONDO:0003441, HP:0001332.

Allele frequency attached by ClinVar (database versions not stated): gnomAD exomes 0.00009; TOPMed 0.00010; gnomAD 0.00013 and 0.00015; ExAC 0.00023.
gnomAD v4.1: 238 of 1,593,114 alleles (0.015%); highest among the groups gnomAD compares: Non-Finnish European, 0.018%; no homozygotes.

Submission:

Labcorp Genetics (formerly Invitae), Labcorp
Classification: Uncertain significance for Dystonic disorder. Last evaluated: 2025-10-09. Review status: criteria provided, single submitter. Criteria: Invitae Variant Classification Sherloc (09022015). Collection method: clinical testing. Allele origin: germline.
Comment: This sequence change replaces serine, which is neutral and polar, with phenylalanine, which is neutral and non-polar, at codon 577 of the CIZ1 protein (p.Ser577Phe). This variant is present in population databases (rs780188256, gnomAD 0.01%). This missense change has been observed in individual(s) with autosomal dominant primary cervical dystonia in a family (PMID: 22447717). ClinVar contains an entry for this variant (Variation ID: 580942). An algorithm developed to predict the effect of missense changes on protein structure and function outputs the following: PolyPhen-2: "Benign". The phenylalanine amino acid residue is found in multiple mammalian species, which suggests that this missense change does not adversely affect protein function. In summary, the available evidence is currently insufficient to determine the role of this variant in disease. Therefore, it has been classified as a Variant of Uncertain Significance.

Literature cited by the submitters: PubMed 22447717.